The following is an entry in ClinVar:

ClinVar aggregate classification (germline): Pathogenic (1 of 4 stars; one submission).

Conditions:
Very long chain acyl-CoA dehydrogenase deficiency (ACADVLD). Also called: VLCAD Deficiency; Very Long-Chain Acyl-Coenzyme A Dehydrogenase Deficiency. Identifiers: Orphanet 26793, MedGen C3887523, MONDO:0008723, OMIM 201475.

Submission:

Labcorp Genetics (formerly Invitae), Labcorp
Classification: Pathogenic for Very long chain acyl-CoA dehydrogenase deficiency. Last evaluated: 2021-04-05. Review status: criteria provided, single submitter. Criteria: Invitae Variant Classification Sherloc (09022015). Collection method: clinical testing. Allele origin: germline.
Comment: For these reasons, this variant has been classified as Pathogenic. This variant has not been reported in the literature in individuals with ACADVL-related conditions. This variant is not present in population databases (ExAC no frequency). This sequence change creates a premature translational stop signal (p.Met386Thrfs*10) in the ACADVL gene. It is expected to result in an absent or disrupted protein product. Loss-of-function variants in ACADVL are known to be pathogenic (PMID: 9973285, 11590124).

Literature cited by the submitters: PubMed 9973285; PubMed 11590124.

NM_000018.4(ACADVL):c.1151_1154dup (p.Met386fs)

Gene: ACADVL (acyl-CoA dehydrogenase very long chain; plus strand). Cytogenetic location: 17p13.1.
Variant type: Duplication.
Coding change: c.1151_1154dup on transcript NM_000018.4 (MANE Select); coding-DNA positions 1151 to 1154, 4 bases duplicated (CACG; older notation c.1151_1154dupCACG).
Protein change: p.Met386fs; shifts the reading frame from methionine 386.
Molecular consequence: frameshift variant.
Genome position (GRCh38, 1-based): chr17:7,223,206-7,223,209, CACG duplicated; duplicating any 4 consecutive bases within chr17:7,223,205-7,223,209 gives the same sequence; the c. name uses the placement nearest the transcript's 3' end. VCF-style (leftmost placement, unchanged base first): chr17-7223204-G-GGCAC. GRCh37 (hg19) VCF-style: chr17-7126523-G-GGCAC.
Other names: c.1085_1088dup, p.Met364fs (NM_001033859.3); c.1220_1223dup, p.Met409fs (NM_001270447.2); c.923_926dup, p.Met310fs (NM_001270448.2); short protein forms M310fs, M386fs, M364fs, M409fs.
Identifiers: ClinVar variation 1454349 (VCV001454349.6), dbSNP rs2142982389, ClinGen allele CA2573154567.